The following is an entry in ClinVar:

NM_004984.4(KIF5A):c.1964G>A (p.Arg655Gln)

Gene: KIF5A (kinesin family member 5A; plus strand). Cytogenetic location: 12q13.3.
Variant type: single nucleotide variant.
Coding change: c.1964G>A on transcript NM_004984.4 (MANE Select); coding-DNA position 1964, G replaced by A.
Protein change: p.Arg655Gln; replaces arginine 655 with glutamine.
Molecular consequence: missense variant.
Genome position (GRCh38, 1-based): chr12:57,575,698, G>A. VCF-style: chr12-57575698-G-A. GRCh37 (hg19) VCF-style: chr12-57969481-G-A.
Other names: c.1697G>A, p.Arg566Gln (NM_001354705.2); short protein forms R655Q, R566Q.
Identifiers: ClinVar variation 933953 (VCV000933953.9), dbSNP rs772780431, ClinGen allele CA6652955.
Genomic context (GRCh38, chr12:57,575,698, plus strand): 5'-AGCATGAGGCCAAGATCCGCTCGCTTACGGAATACATGCAGAGCGTGGAGCTAAAGAAGC[G>A]GCACCTGGAAGAGTCCTATGACTCCTTGAGCGATGAGCTGGCCAAGCTCCAGGCCCAGGG-3'
Protein context (NP_004975.2, residues 645-665): EYMQSVELKK[Arg655Gln]HLEESYDSLS

ClinVar aggregate classification (germline): Uncertain significance (1 of 4 stars; one submission).

Conditions:
Spastic paraplegia. Identifiers: MedGen C0037772, HP:0001258.

Allele frequency attached by ClinVar (database versions not stated): TOPMed below 0.00001; gnomAD exomes 0.00001; ExAC 0.00002.
gnomAD v4.1: 23 of 1,614,204 alleles (0.0014%); highest among the groups gnomAD compares: South Asian, 0.0044%; no homozygotes.

Submission:

Labcorp Genetics (formerly Invitae), Labcorp
Classification: Uncertain significance for Spastic paraplegia. Last evaluated: 2019-06-11. Review status: criteria provided, single submitter. Criteria: Invitae Variant Classification Sherloc (09022015). Collection method: clinical testing. Allele origin: germline.
Comment: This sequence change replaces arginine with glutamine at codon 655 of the KIF5A protein (p.Arg655Gln). The arginine residue is highly conserved and there is a small physicochemical difference between arginine and glutamine. This variant is present in population databases (rs772780431, ExAC 0.009%). This variant has not been reported in the literature in individuals with KIF5A-related conditions. Algorithms developed to predict the effect of missense changes on protein structure and function (SIFT, PolyPhen-2, Align-GVGD) all suggest that this variant is likely to be disruptive, but these predictions have not been confirmed by published functional studies and their clinical significance is uncertain. In summary, the available evidence is currently insufficient to determine the role of this variant in disease. Therefore, it has been classified as a Variant of Uncertain Significance.